The following is an entry in ClinVar:

NM_006005.3(WFS1):c.2476A>G (p.Ser826Gly)

Gene: WFS1 (wolframin ER transmembrane glycoprotein; plus strand). Cytogenetic location: 4p16.1.
Variant type: single nucleotide variant.
Coding change: c.2476A>G on transcript NM_006005.3 (MANE Select); coding-DNA position 2476, A replaced by G.
Protein change: p.Ser826Gly; replaces serine 826 with glycine.
Molecular consequence: missense variant.
Genome position (GRCh38, 1-based): chr4:6,302,271, A>G. VCF-style: chr4-6302271-A-G. GRCh37 (hg19) VCF-style: chr4-6303998-A-G.
Other names: c.2476A>G, p.Ser826Gly (NM_001145853.1); short protein forms S826G.
Identifiers: ClinVar variation 3683367 (VCV003683367.2).

ClinVar aggregate classification (germline): Uncertain significance (1 of 4 stars; one submission).

Submission:

Labcorp Genetics (formerly Invitae), Labcorp
Classification: Uncertain significance. Last evaluated: 2024-03-30. Review status: criteria provided, single submitter. Criteria: Invitae Variant Classification Sherloc (09022015). Collection method: clinical testing. Allele origin: germline.
Comment: This sequence change replaces serine, which is neutral and polar, with glycine, which is neutral and non-polar, at codon 826 of the WFS1 protein (p.Ser826Gly). This variant is not present in population databases (gnomAD no frequency). This variant has not been reported in the literature in individuals affected with WFS1-related conditions. Advanced modeling of protein sequence and biophysical properties (such as structural, functional, and spatial information, amino acid conservation, physicochemical variation, residue mobility, and thermodynamic stability) has been performed at Invitae for this missense variant, however the output from this modeling did not meet the statistical confidence thresholds required to predict the impact of this variant on WFS1 protein function. In summary, the available evidence is currently insufficient to determine the role of this variant in disease. Therefore, it has been classified as a Variant of Uncertain Significance.